The following is an entry in ClinVar:

ClinVar aggregate classification (germline): Uncertain significance (1 of 4 stars; one submission).

Conditions:
Congenital adrenal hyperplasia due to cytochrome P450 oxidoreductase deficiency. Also called: DISORDERED STEROIDOGENESIS DUE TO POR DEFICIENCY. Identifiers: Orphanet 95699, MedGen C1860042, MONDO:0013310, OMIM 613571.

Allele frequency attached by ClinVar (database versions not stated): gnomAD exomes below 0.00001.
gnomAD v4.1: 1 of 1,612,656 alleles (0.000062%); highest among the groups gnomAD compares: African/African-American, 0.0013%; no homozygotes.

Submission:

Labcorp Genetics (formerly Invitae), Labcorp
Classification: Uncertain significance for Congenital adrenal hyperplasia due to cytochrome P450 oxidoreductase deficiency. Last evaluated: 2022-12-06. Review status: criteria provided, single submitter. Criteria: Invitae Variant Classification Sherloc (09022015). Collection method: clinical testing. Allele origin: germline.
Comment: This variant has not been reported in the literature in individuals affected with POR-related conditions. This variant is not present in population databases (gnomAD no frequency). This sequence change replaces serine, which is neutral and polar, with arginine, which is basic and polar, at codon 126 of the POR protein (p.Ser126Arg). ClinVar contains an entry for this variant (Variation ID: 1393619). In summary, the available evidence is currently insufficient to determine the role of this variant in disease. Therefore, it has been classified as a Variant of Uncertain Significance. Advanced modeling of protein sequence and biophysical properties (such as structural, functional, and spatial information, amino acid conservation, physicochemical variation, residue mobility, and thermodynamic stability) performed at Invitae indicates that this missense variant is not expected to disrupt POR protein function.

NM_001395413.1(POR):c.369C>G (p.Ser123Arg)

Gene: POR (cytochrome p450 oxidoreductase; plus strand). Cytogenetic location: 7q11.23.
Variant type: single nucleotide variant.
Coding change: c.369C>G on transcript NM_001395413.1 (MANE Select); coding-DNA position 369, C replaced by G.
Protein change: p.Ser123Arg; replaces serine 123 with arginine.
Molecular consequence: missense variant.
Genome position (GRCh38, 1-based): chr7:75,980,350, C>G. VCF-style: chr7-75980350-C-G. GRCh37 (hg19) VCF-style: chr7-75609668-C-G.
Other names: c.369C>G, p.Ser123Arg (NM_001367562.3, NM_001382657.2, NM_001382658.3 and 2 more transcripts); c.423C>G, p.Ser141Arg (NM_001382655.3); short protein forms S123R, S141R.
Identifiers: ClinVar variation 1393619 (VCV001393619.6), dbSNP rs2116587581, ClinGen allele CA367747617.
Genomic context (GRCh38, chr7:75,980,350, plus strand): 5'-GAACAGGCTCAGTCATGGCCGGGGCGCGGTCCTGTCCCTGTTTCTGCAGGCCGACCTGAG[C>G]AGCCTGCCAGAGATCGACAACGCCCTGGTGGTTTTCTGCATGGCCACCTACGGTGAGGGA-3'
Protein context (NP_001382342.1, residues 113-133): DPEEYDLADL[Ser123Arg]SLPEIDNALV